The following is an entry in ClinVar:

ClinVar aggregate classification (germline): Uncertain significance (1 of 4 stars; one submission).

Conditions:
Arrhythmogenic right ventricular dysplasia 13. Also called: ARRHYTHMOGENIC RIGHT VENTRICULAR CARDIOMYOPATHY 13; Arrhythmogenic right ventricular dysplasia, familial, 13. Identifiers: MedGen C3810138, MONDO:0000908, OMIM 615616.

Allele frequency attached by ClinVar (database versions not stated): TOPMed below 0.00001.

Submission:

Labcorp Genetics (formerly Invitae), Labcorp
Classification: Uncertain significance for Arrhythmogenic right ventricular dysplasia 13. Last evaluated: 2019-11-14. Review status: criteria provided, single submitter. Criteria: Invitae Variant Classification Sherloc (09022015). Collection method: clinical testing. Allele origin: germline.
Comment: Experimental studies and prediction algorithms are not available or were not evaluated, and the functional significance of this variant is currently unknown. This variant has not been reported in the literature in individuals with CTNNA3-related conditions. This variant is not present in population databases (ExAC no frequency). This sequence change affects the initiator methionine of the CTNNA3 mRNA. The next in-frame methionine is located at codon 141. In summary, the available evidence is currently insufficient to determine the role of this variant in disease. Therefore, it has been classified as a Variant of Uncertain Significance.

NM_013266.4(CTNNA3):c.1A>C (p.Met1Leu)

Gene: CTNNA3 (catenin alpha 3; minus strand). Cytogenetic location: 10q21.3.
Variant type: single nucleotide variant.
Coding change: c.1A>C on transcript NM_013266.4 (MANE Select); coding-DNA position 1, A replaced by C.
Protein change: p.Met1Leu; changes the start codon (methionine 1).
Molecular consequence: missense variant, initiator codon variant.
Genome position (GRCh38, 1-based): chr10:67,647,513, T>G on the plus strand (A>C on the coding strand, the complement: CTNNA3 is on the minus strand). VCF-style: chr10-67647513-T-G. GRCh37 (hg19) VCF-style: chr10-69407271-T-G.
Other names: c.1A>C, p.Met1Leu (NM_001127384.3); c.37A>C, p.Met13Leu (NM_001291133.2); short protein forms M1L, M13L.
Identifiers: ClinVar variation 968822 (VCV000968822.10), dbSNP rs1839754072, ClinGen allele CA377100379.